The following is an entry in ClinVar:

NM_004628.5(XPC):c.1894C>T (p.Gln632Ter)

Gene: XPC (XPC complex subunit, DNA damage recognition and repair factor; minus strand). Cytogenetic location: 3p25.1.
Variant type: single nucleotide variant.
Coding change: c.1894C>T on transcript NM_004628.5 (MANE Select); coding-DNA position 1894, C replaced by T.
Protein change: p.Gln632Ter; replaces glutamine 632 with a stop codon.
Molecular consequence: nonsense. On other transcripts: intron variant (1).
Genome position (GRCh38, 1-based): chr3:14,156,474, G>A on the plus strand (C>T on the coding strand, the complement: XPC is on the minus strand). VCF-style: chr3-14156474-G-A. GRCh37 (hg19) VCF-style: chr3-14197974-G-A.
Other names: c.1315C>T, p.Gln439Ter (NM_001354726.2); c.1876C>T, p.Gln626Ter (NM_001354729.2); c.1648C>T, p.Gln550Ter (NM_001354730.2); c.1872+1537C>T (NM_001354727.2); short protein forms Q632*, Q550*, Q626*, Q439*.
Identifiers: ClinVar variation 268083 (VCV000268083.5), dbSNP rs3731139, ClinGen allele CA2267331.

ClinVar aggregate classification (germline): Pathogenic. Review status: criteria provided, multiple submitters, no conflicts (2 of 4 stars). 2 submissions from 2 submitters: Pathogenic (2). Last evaluated 2023-03-03.

Conditions:
Xeroderma pigmentosum, group C (XPC). Also called: Xeroderma pigmentosum, complementation group C; XPC-Related Xeroderma Pigmentosum; XERODERMA PIGMENTOSUM III; XP, GROUP C. Identifiers: Orphanet 910, MedGen C2752147, MONDO:0010211, OMIM 278720.

gnomAD v4.1: 2 of 1,613,962 alleles (0.00012%); highest among the groups gnomAD compares: Non-Finnish European, 0.00017%; no homozygotes.

Submissions (2):

Labcorp Genetics (formerly Invitae), Labcorp
Classification: Pathogenic. Last evaluated: 2023-03-03. Review status: criteria provided, single submitter. Criteria: Invitae Variant Classification Sherloc (09022015). Collection method: clinical testing. Allele origin: germline.
Comment: This variant is present in population databases (rs3731139, gnomAD 0.0009%). This premature translational stop signal has been observed in individual(s) with xeroderma pigmentosum (PMID: 33672602). ClinVar contains an entry for this variant (Variation ID: 268083). Algorithms developed to predict the effect of sequence changes on RNA splicing suggest that this variant may disrupt the consensus splice site. For these reasons, this variant has been classified as Pathogenic. This sequence change creates a premature translational stop signal (p.Gln632*) in the XPC gene. It is expected to result in an absent or disrupted protein product. Loss-of-function variants in XPC are known to be pathogenic (PMID: 23173980, 25256075).

Medical Molecular Genetics Department, National Research Center
Classification: Pathogenic for Xeroderma pigmentosum, group C. Last evaluated: 2015-12-01. Review status: criteria provided, single submitter. Criteria: ACMG Guidelines, 2015. Collection method: research. Allele origin: germline. Inheritance: Autosomal recessive inheritance. Affected: yes. Observed: 2 variant alleles, 2 homozygotes.

Literature cited by the submitters: PubMed 33672602 (cited by Labcorp Genetics (formerly Invitae), Labcorp); PubMed 23173980 (cited by Labcorp Genetics (formerly Invitae), Labcorp); PubMed 25256075 (cited by Labcorp Genetics (formerly Invitae), Labcorp).